The following is an entry in ClinVar:

ClinVar aggregate classification (germline): Uncertain significance (1 of 4 stars; one submission).

Conditions:
KMT2A-related disorder. Also called: KMT2A-related condition.

Submission:

PreventionGenetics, part of Exact Sciences
Classification: Uncertain significance for KMT2A-related condition. Last evaluated: 2023-03-24. Review status: criteria provided, single submitter. Criteria: ACMG Guidelines, 2015. Collection method: clinical testing. Allele origin: germline.
Comment: The KMT2A c.5708A>G variant is predicted to result in the amino acid substitution p.His1903Arg. To our knowledge, this variant has not been reported in the literature or in a large population database, indicating this variant is rare. At this time, the clinical significance of this variant is uncertain due to the absence of conclusive functional and genetic evidence.

NM_001197104.2(KMT2A):c.5708A>G (p.His1903Arg)

Gene: KMT2A (lysine methyltransferase 2A; plus strand). Cytogenetic location: 11q23.3.
Variant type: single nucleotide variant.
Coding change: c.5708A>G on transcript NM_001197104.2 (MANE Select); coding-DNA position 5708, A replaced by G.
Protein change: p.His1903Arg; replaces histidine 1903 with arginine.
Molecular consequence: missense variant.
Genome position (GRCh38, 1-based): chr11:118,497,979, A>G. VCF-style: chr11-118497979-A-G. GRCh37 (hg19) VCF-style: chr11-118368694-A-G.
Other names: c.5798A>G, p.His1933Arg (NM_001412597.1); c.5699A>G, p.His1900Arg (NM_005933.4); short protein forms H1900R, H1903R, H1933R.
Identifiers: ClinVar variation 2633518 (VCV002633518.1), dbSNP rs2496957143, ClinGen allele CA382797701.
Genomic context (GRCh38, chr11:118,497,979, plus strand): 5'-ATCTCTTTATTTTATAGGATGCTGGTCGTTTACTATATATTGGCCAAAATGAGTGGACAC[A>G]TGTAAATTGTGCTTTGTGGTCAGCGGAAGTGTTTGAAGATGATGACGGATCACTAAAGAA-3'
Protein context (NP_001184033.1, residues 1893-1913): LLYIGQNEWT[His1903Arg]VNCALWSAEV